The following is an entry in ClinVar:

ClinVar aggregate classification (germline): Uncertain significance (1 of 4 stars; one submission).

Allele frequency attached by ClinVar (database versions not stated): gnomAD 0.00001; TOPMed 0.00001.
gnomAD v4.1: 1 of 1,614,058 alleles (0.000062%); highest among the groups gnomAD compares: African/African-American, 0.0013%; no homozygotes.

Submission:

Labcorp Genetics (formerly Invitae), Labcorp
Classification: Uncertain significance. Last evaluated: 2022-09-22. Review status: criteria provided, single submitter. Criteria: Invitae Variant Classification Sherloc (09022015). Collection method: clinical testing. Allele origin: germline.
Comment: In summary, the available evidence is currently insufficient to determine the role of this variant in disease. Therefore, it has been classified as a Variant of Uncertain Significance. Advanced modeling of protein sequence and biophysical properties (such as structural, functional, and spatial information, amino acid conservation, physicochemical variation, residue mobility, and thermodynamic stability) performed at Invitae indicates that this missense variant is not expected to disrupt GATAD2B protein function. This variant has not been reported in the literature in individuals affected with GATAD2B-related conditions. This variant is not present in population databases (gnomAD no frequency). This sequence change replaces glycine, which is neutral and non-polar, with aspartic acid, which is acidic and polar, at codon 71 of the GATAD2B protein (p.Gly71Asp).

NM_020699.4(GATAD2B):c.212G>A (p.Gly71Asp)

Gene: GATAD2B (GATA zinc finger domain containing 2B; minus strand). Cytogenetic location: 1q21.3.
Variant type: single nucleotide variant.
Coding change: c.212G>A on transcript NM_020699.4 (MANE Select); coding-DNA position 212, G replaced by A.
Protein change: p.Gly71Asp; replaces glycine 71 with aspartic acid.
Molecular consequence: missense variant.
Genome position (GRCh38, 1-based): chr1:153,828,136, C>T on the plus strand (G>A on the coding strand, the complement: GATAD2B is on the minus strand). VCF-style: chr1-153828136-C-T. GRCh37 (hg19) VCF-style: chr1-153800612-C-T.
Other names: short protein forms G71D.
Identifiers: ClinVar variation 2117197 (VCV002117197.4), dbSNP rs1416057031, ClinGen allele CA342540586.
Genomic context (GRCh38, chr1:153,828,136, plus strand): 5'-GTCCTGTTGTCTCCATGAGGCCTGAGATTCCCGTTAAGTTTTTCTTCATAGCCCTTGACA[C>T]CACTGCCATCCTGTTTGGTGGGTAACTCATGTGGCACCTCAAGATTTGCCAAATCCTTCC-3'
Protein context (NP_065750.1, residues 61-81): HELPTKQDGS[Gly71Asp]VKGYEEKLNG